The following is an entry in ClinVar:

ClinVar aggregate classification (germline): Uncertain significance (1 of 4 stars; one submission).

Allele frequency attached by ClinVar (database versions not stated): gnomAD exomes below 0.00001.

Submission:

Labcorp Genetics (formerly Invitae), Labcorp
Classification: Uncertain significance. Last evaluated: 2022-05-08. Review status: criteria provided, single submitter. Criteria: Invitae Variant Classification Sherloc (09022015). Collection method: clinical testing. Allele origin: germline.
Comment: This variant is not present in population databases (gnomAD no frequency). In summary, the available evidence is currently insufficient to determine the role of this variant in disease. Therefore, it has been classified as a Variant of Uncertain Significance. Algorithms developed to predict the effect of missense changes on protein structure and function are either unavailable or do not agree on the potential impact of this missense change (SIFT: "Deleterious"; PolyPhen-2: "Possibly Damaging"; Align-GVGD: "Class C0"). This variant has not been reported in the literature in individuals affected with LCA5-related conditions. This sequence change replaces arginine, which is basic and polar, with serine, which is neutral and polar, at codon 290 of the LCA5 protein (p.Arg290Ser).

NM_001122769.3(LCA5):c.870A>C (p.Arg290Ser)

Gene: LCA5 (lebercilin LCA5; minus strand). Cytogenetic location: 6q14.1.
Variant type: single nucleotide variant.
Coding change: c.870A>C on transcript NM_001122769.3 (MANE Select); coding-DNA position 870, A replaced by C.
Protein change: p.Arg290Ser; replaces arginine 290 with serine.
Molecular consequence: missense variant.
Genome position (GRCh38, 1-based): chr6:79,492,636, T>G on the plus strand (A>C on the coding strand, the complement: LCA5 is on the minus strand). VCF-style: chr6-79492636-T-G. GRCh37 (hg19) VCF-style: chr6-80202353-T-G.
Other names: c.870A>C, p.Arg290Ser (NM_181714.4); short protein forms R290S.
Identifiers: ClinVar variation 2135532 (VCV002135532.4), dbSNP rs777434118, ClinGen allele CA364645152.